The following is an entry in ClinVar:

ClinVar aggregate classification (germline): Conflicting classifications of pathogenicity. Review status: criteria provided, conflicting classifications (1 of 4 stars). 2 submissions from 2 submitters: Uncertain significance (1); Likely benign (1). Last evaluated 2025-02-13.

Conditions:
Aortic aneurysm, familial thoracic 4 (AAT4). Also called: AORTIC ANEURYSM/AORTIC DISSECTION AND PATENT DUCTUS ARTERIOSUS. Identifiers: MedGen C1851504, MONDO:0007568, OMIM 132900.
Familial thoracic aortic aneurysm and aortic dissection (TAAD). Also called: Thoracic aortic aneurysms and dissections. Identifiers: Orphanet 91387, MedGen C4707243, MONDO:0019625.

Allele frequency attached by ClinVar (database versions not stated): gnomAD exomes below 0.00001.

Submissions (2):

Labcorp Genetics (formerly Invitae), Labcorp
Classification: Likely benign for Aortic aneurysm, familial thoracic 4. Last evaluated: 2025-02-13. Review status: criteria provided, single submitter. Criteria: Invitae Variant Classification Sherloc (09022015). Collection method: clinical testing. Allele origin: germline.

All of Us Research Program, National Institutes of Health
Classification: Uncertain significance for Familial thoracic aortic aneurysm and aortic dissection. Last evaluated: 2023-09-04. Review status: criteria provided, single submitter. Criteria: ACMG Guidelines, 2015. Collection method: clinical testing. Allele origin: germline. Inheritance: Autosomal dominant inheritance. Observed: 1 variant allele, 1 heterozygote.
Comment: This variant deletes one nucleotide deletion in intron 33 of the MYH11 gene. To our knowledge, functional studies have not been reported for this variant. This variant has not been reported in individuals affected with MYH11-related disorders in the literature. This variant has not been identified in the general population by the Genome Aggregation Database (gnomAD). The available evidence is insufficient to determine the role of this variant in disease conclusively. Therefore, this variant is classified as a Variant of Uncertain Significance.

This study involves interpretation of variants in research participants for the purpose of population health screening. Participant phenotype was not available at the time of variant classification. Additional details can be found in publication PMID: 35346344, PMCID: PMC8962531

NM_002474.3(MYH11):c.4579-13del

Genes: NDE1 (nudE neurodevelopment protein 1; plus strand), MYH11 (myosin heavy chain 11; minus strand). Cytogenetic location: 16p13.11.
Variant type: Deletion.
Coding change: c.4579-13del on transcript NM_002474.3 (MANE Select); 13 bases into the intron before coding-DNA position 4579, one base deleted (G; older notation c.4579-13delG).
Molecular consequence: intron variant.
Genome position (GRCh38, 1-based): chr16:15,721,064, C deleted on the plus strand (G on the coding strand, the reverse complement: MYH11 is on the minus strand). VCF-style (leftmost placement, unchanged base first): chr16-15721063-GC-G. GRCh37 (hg19) VCF-style: chr16-15814920-GC-G.
Other names: c.948-3127del (NM_001143979.2, NM_017668.3); c.4579-13del (NM_022844.3); c.4600-13del (NM_001040114.2, NM_001040113.2).
Identifiers: ClinVar variation 3073331 (VCV003073331.3), dbSNP rs2506121884, ClinGen allele CA2631938289.
Genomic context (GRCh38, chr16:15,721,063, plus strand): 5'-CCTCCATCTGGGTCTCCAGGGCCCGCTTGGACTTCTCCAGCTCATGGACCTGCCGGCAGA[GC>G]GGGCAGCCCCATTCTATGAGGCTCAACTTCATGAAGACGATTGAGAAACCCACCGTGAGC-3'